The following is an entry in ClinVar:

NM_001875.5(CPS1):c.3405-29A>T

Gene: CPS1 (carbamoyl-phosphate synthase 1; plus strand). Cytogenetic location: 2q34.
Variant type: single nucleotide variant.
Coding change: c.3405-29A>T on transcript NM_001875.5 (MANE Select); 29 bases into the intron before coding-DNA position 3405, A replaced by T.
Molecular consequence: intron variant.
Genome position (GRCh38, 1-based): chr2:210,650,334, A>T. VCF-style: chr2-210650334-A-T. GRCh37 (hg19) VCF-style: chr2-211515058-A-T.
Other names: p.?; c.3405-29A>T (LRG_336t1, NM_001369257.1, NM_001122633.3); c.3438-29A>T (NM_001369256.1).
Identifiers: ClinVar variation 258479 (VCV000258479.10), dbSNP rs3213784, ClinGen allele CA2086925.

ClinVar aggregate classification (germline): Benign. Review status: criteria provided, multiple submitters, no conflicts (2 of 4 stars). 5 submissions from 5 submitters: Benign (5). Last evaluated 2022-04-29.

Conditions:
Congenital hyperammonemia, type I. Also called: Carbamoyl phosphate synthetase 1 deficiency; Hyperammonemia due to carbamoyl phosphate synthetase 1 deficiency; CPS 1 deficiency; Carbamyl phosphate synthetase (CPS) deficiency; Carbamoyl phosphate synthetase I deficiency disease; Carbamoyl-phosphate synthase I deficiency. Identifiers: Orphanet 147, MedGen C4082171, MONDO:0009376, OMIM 237300.

Allele frequency attached by ClinVar (database versions not stated): gnomAD 0.38451 and 0.37981; ESP Exome Variant Server 0.35753; gnomAD exomes 0.41007 and 0.42479; TOPMed 0.37773; 1000 Genomes Project 30x 0.41630; ExAC 0.41857; 1000 Genomes Project 0.42272.
gnomAD v4.1: 643,852 of 1,580,844 alleles (41%); highest among the groups gnomAD compares: East Asian, 50%; 133,577 homozygotes.

Submissions (5):

Mayo Clinic Laboratories, Mayo Clinic
Classification: Benign. Last evaluated: 2022-04-29. Review status: criteria provided, single submitter. Criteria: ACMG Guidelines, 2015. Collection method: clinical testing. Allele origin: germline. Observed: 65 variant alleles.

Genome-Nilou Lab
Classification: Benign for Congenital hyperammonemia, type I. Last evaluated: 2021-07-10. Review status: criteria provided, single submitter. Criteria: ACMG Guidelines, 2015. Collection method: clinical testing. Allele origin: germline. Affected: no.

GeneDx
Classification: Benign. Last evaluated: 2018-06-29. Review status: criteria provided, single submitter. Criteria: GeneDx Variant Classification Process June 2021. Collection method: clinical testing. Allele origin: germline. Affected: yes.

Breakthrough Genomics
Classification: Benign. Review status: criteria provided, single submitter. Criteria: ACMG Guidelines, 2015. Collection method: not provided. Allele origin: germline. Inheritance: Autosomal recessive inheritance. Affected: yes.

PreventionGenetics, part of Exact Sciences
Classification: Benign. Review status: criteria provided, single submitter. Criteria: ACMG Guidelines, 2015. Collection method: clinical testing. Allele origin: germline.